The following is an entry in ClinVar:

ClinVar aggregate classification (germline): Pathogenic (1 of 4 stars; one submission).

Conditions:
Marfan syndrome (MFS). Also called: Marfan syndrome type 1; Marfan's syndrome; FBN1-Related Marfan Syndrome; MARFAN SYNDROME, TYPE I; Marfan syndrome, classic. Identifiers: Orphanet 284963, Orphanet 558, MedGen C0024796, MONDO:0007947, OMIM 154700.
Familial thoracic aortic aneurysm and aortic dissection (TAAD). Also called: Thoracic aortic aneurysms and dissections. Identifiers: Orphanet 91387, MedGen C4707243, MONDO:0019625.

Submission:

Labcorp Genetics (formerly Invitae), Labcorp
Classification: Pathogenic for Marfan syndrome; Familial thoracic aortic aneurysm and aortic dissection. Last evaluated: 2021-09-01. Review status: criteria provided, single submitter. Criteria: Invitae Variant Classification Sherloc (09022015). Collection method: clinical testing. Allele origin: germline.
Comment: This variant disrupts the p.Cys1348 amino acid residue in FBN1. Other variant(s) that disrupt this residue have been observed in individuals with FBN1-related conditions (PMID: 25907466, 27112580; Invitae), which suggests that this may be a clinically significant amino acid residue. This sequence change replaces cysteine with phenylalanine at codon 1348 of the FBN1 protein (p.Cys1348Phe). The cysteine residue is highly conserved and there is a large physicochemical difference between cysteine and phenylalanine. This variant is not present in population databases (ExAC no frequency). This missense change has been observed in individual(s) with Marfan syndrome (Invitae). Advanced modeling of protein sequence and biophysical properties (such as structural, functional, and spatial information, amino acid conservation, physicochemical variation, residue mobility, and thermodynamic stability) performed at Invitae indicates that this missense variant is expected to disrupt FBN1 protein function. This variant affects a cysteine residue in the EGF-like, TGFBP or hybrid motif domains of FBN1. Cysteine residues are believed to be involved in intramolecular disulfide bridges and have been shown to be important for FBN1 protein structure (PMID: 16905551, 19349279). In addition, missense substitutions affecting cysteine residues within these domains are significantly overrepresented among patients with Marfan syndrome (PMID: 16571647, 17701892). For these reasons, this variant has been classified as Pathogenic.

Literature cited by the submitters: PubMed 25907466; PubMed 27112580; PubMed 16905551; PubMed 19349279; PubMed 16571647; PubMed 17701892.

NM_000138.5(FBN1):c.4043G>T (p.Cys1348Phe)

Gene: FBN1 (fibrillin 1; minus strand). Cytogenetic location: 15q21.1.
Variant type: single nucleotide variant.
Coding change: c.4043G>T on transcript NM_000138.5 (MANE Select); coding-DNA position 4043, G replaced by T.
Protein change: p.Cys1348Phe; replaces cysteine 1348 with phenylalanine.
Molecular consequence: missense variant.
Genome position (GRCh38, 1-based): chr15:48,474,572, C>A on the plus strand (G>T on the coding strand, the complement: FBN1 is on the minus strand). VCF-style: chr15-48474572-C-A. GRCh37 (hg19) VCF-style: chr15-48766769-C-A.
Other names: short protein forms C1348F.
Identifiers: ClinVar variation 1413441 (VCV001413441.6), dbSNP rs1555397720, ClinGen allele CA392320492.